The following is an entry in ClinVar:

ClinVar aggregate classification (germline): Uncertain significance. Review status: criteria provided, single submitter (1 of 4 stars). 2 submissions from 2 submitters: Uncertain significance (1). 1 of the submissions does not count toward it. Last evaluated 2022-07-19.

Conditions:
Hemochromatosis type 2A (HFE2A). Also called: Adult-Onset Hemochromatosis; HJV (HFE2)-Related Juvenile Hemochromatosis. Identifiers: Orphanet 79230, MedGen C1865614, MONDO:0011216, OMIM 602390.

Submissions (2):

Labcorp Genetics (formerly Invitae), Labcorp
Classification: Uncertain significance. Last evaluated: 2022-07-19. Review status: criteria provided, single submitter. Criteria: Invitae Variant Classification Sherloc (09022015). Collection method: clinical testing. Allele origin: germline.
Comment: This variant, c.397_417del, results in the deletion of 7 amino acid(s) of the HJV protein (p.Pro133_Gly139del), but otherwise preserves the integrity of the reading frame. This variant is present in population databases (rs781860270, gnomAD 0.004%). This variant has not been reported in the literature in individuals affected with HJV-related conditions. ClinVar contains an entry for this variant (Variation ID: 1018758). Experimental studies and prediction algorithms are not available or were not evaluated, and the functional significance of this variant is currently unknown. In summary, the available evidence is currently insufficient to determine the role of this variant in disease. Therefore, it has been classified as a Variant of Uncertain Significance.

Natera, Inc.
Classification: Uncertain significance for Hemochromatosis type 2A. Last evaluated: 2020-06-22. Review status: no assertion criteria provided. Collection method: clinical testing. Allele origin: germline. Not counted in ClinVar's aggregate classification.

NM_213653.4(HJV):c.397_417del (p.Pro133_Gly139del)

Gene: HJV (hemojuvelin BMP co-receptor; minus strand). Cytogenetic location: 1q21.1.
Variant type: Deletion.
Coding change: c.397_417del on transcript NM_213653.4 (MANE Select); coding-DNA positions 397 to 417, 21 bases deleted (CCCGCCCTTCCAGGCGCGGGC).
Protein change: p.Pro133_Gly139del.
Molecular consequence: inframe deletion. On other transcripts: intron variant (3).
Genome position (GRCh38, 1-based): chr1:146,019,415-146,019,435, GCCCGCGCCTGGAAGGGCGGG deleted on the plus strand (CCCGCCCTTCCAGGCGCGGGC on the coding strand, the reverse complement: HJV is on the minus strand); deleting any 21 consecutive bases within chr1:146,019,415-146,019,439 gives the same sequence; the c. name uses the placement nearest the transcript's 3' end. VCF-style (leftmost placement, unchanged base first): chr1-146019414-AGCCCGCGCCTGGAAGGGCGGG-A. GRCh37 (hg19) VCF-style: chr1-145415573-GGGGCCCCGCCCTTCCAGGCGC-G.
Other names: c.397_417del, p.Pro133_Gly139del (NM_001379352.1); c.58_78del, p.Pro20_Gly26del (NM_145277.5); c.-21-735_-21-715del (NM_213652.4); c.-22+263_-22+283del (NM_202004.4, NM_001316767.2).
Identifiers: ClinVar variation 1018758 (VCV001018758.7), dbSNP rs781860270, ClinGen allele CA1053807.
Genomic context (GRCh38, chr1:146,019,414, plus strand): 5'-GACCATGCAGCCGGGAAAACCGGCCTTCATAGTCACAAGGGTCCGGGGCAGGGAGGCCGG[AGCCCGCGCCTGGAAGGGCGGG>A]GCCCCGGGGCGGGGGAGGGGCTGTAGGGCCCTGGCGGGAGCAGTTGTGCTGGATCATCAG-3'